The following is an entry in ClinVar:

NM_000404.4(GLB1):c.1633A>G (p.Asn545Asp)

Gene: GLB1 (galactosidase beta 1; minus strand). Cytogenetic location: 3p22.3.
Variant type: single nucleotide variant.
Coding change: c.1633A>G on transcript NM_000404.4 (MANE Select); coding-DNA position 1633, A replaced by G.
Protein change: p.Asn545Asp; replaces asparagine 545 with aspartic acid.
Molecular consequence: missense variant.
Genome position (GRCh38, 1-based): chr3:33,014,157, T>C on the plus strand (A>G on the coding strand, the complement: GLB1 is on the minus strand). VCF-style: chr3-33014157-T-C. GRCh37 (hg19) VCF-style: chr3-33055649-T-C.
Other names: c.1543A>G, p.Asn515Asp (NM_001079811.3); c.1240A>G, p.Asn414Asp (NM_001135602.3); c.1777A>G, p.Asn593Asp (NM_001317040.2); c.1633A>G, p.Asn545Asp (NM_001393580.1); short protein forms N414D, N515D, N593D, N545D.
Identifiers: ClinVar variation 3854130 (VCV003854130.3).

ClinVar aggregate classification (germline): Uncertain significance. Review status: criteria provided, multiple submitters, no conflicts (2 of 4 stars). 2 submissions from 2 submitters: Uncertain significance (2). Last evaluated 2025-06-16.

Conditions:
Inborn genetic diseases. Identifiers: MedGen C0950123, MeSH D030342.

gnomAD v4.1: 5 of 1,614,150 alleles (0.00031%); highest among the groups gnomAD compares: African/African-American, 0.0067%; no homozygotes.

Submissions (2):

Dasa
Classification: Uncertain significance. Last evaluated: 2025-06-16. Review status: criteria provided, single submitter. Criteria: DASA Assertion Criteria. Collection method: clinical testing. Allele origin: germline.
Comment: NM_000404.4(GLB1):c.1633A>G (p.Asn545Asp) is a missense variant that results in the substitution of asparagine with aspartic acid. This variant is rare in population databases. Computational prediction algorithms are consistent with a benign effect. The currently available literature and clinical evidence are not sufficient to establish a definitive association between this variant and the reported condition. Therefore, this variant is classified as a variant of uncertain significance.

Ambry Genetics
Classification: Uncertain significance for Inborn genetic diseases. Last evaluated: 2025-02-28. Review status: criteria provided, single submitter. Criteria: Ambry Variant Classification Scheme 2023. Collection method: clinical testing. Allele origin: germline.